The following is an entry in ClinVar:

ClinVar aggregate classification (germline): Uncertain significance (1 of 4 stars; one submission).

Conditions:
Heterotopia, periventricular, X-linked dominant (PVNH1). Also called: PERIVENTRICULAR NODULAR HETEROTOPIA 4; HETEROTOPIA, PERIVENTRICULAR, 1; PERIVENTRICULAR NODULAR HETEROTOPIA 1; X-linked periventricular heterotopia. Identifiers: Orphanet 2149, Orphanet 82004, MedGen C1848213, MONDO:0010233, OMIM 300049.
Melnick-Needles syndrome (MNS). Also called: Melnick-Needles Syndrome (FLNA-MNS); MELNICK-NEEDLES OSTEODYSPLASTY; OSTEODYSPLASTY OF MELNICK AND NEEDLES. Identifiers: Orphanet 2484, MedGen C0025237, MONDO:0010650, OMIM 309350.
Frontometaphyseal dysplasia (FMD1). Identifiers: Orphanet 1826, MedGen C0265293, MONDO:0015942.
Oto-palato-digital syndrome, type II (OPD2). Also called: Otopalatodigital Syndrome Type 2 (FLNA-OPD2); Otopalatodigital Syndrome, Type II; FACIOPALATOOSSEOUS SYNDROME; OPD II SYNDROME. Identifiers: Orphanet 669, Orphanet 90652, MedGen C1844696, MONDO:0010571, OMIM 304120.

Allele frequency attached by ClinVar (database versions not stated): ExAC 0.00002; gnomAD 0.00002; gnomAD exomes 0.00002 and 0.00001; ESP Exome Variant Server 0.00010.

Submission:

Labcorp Genetics (formerly Invitae), Labcorp
Classification: Uncertain significance for Oto-palato-digital syndrome, type II; Heterotopia, periventricular, X-linked dominant; Frontometaphyseal dysplasia; Melnick-Needles syndrome. Last evaluated: 2022-10-13. Review status: criteria provided, single submitter. Criteria: Invitae Variant Classification Sherloc (09022015). Collection method: clinical testing. Allele origin: germline.
Comment: ClinVar contains an entry for this variant (Variation ID: 570374). Algorithms developed to predict the effect of missense changes on protein structure and function are either unavailable or do not agree on the potential impact of this missense change (SIFT: "Deleterious"; PolyPhen-2: "Benign"; Align-GVGD: "Class C65"). Algorithms developed to predict the effect of sequence changes on RNA splicing suggest that this variant may create or strengthen a splice site. In summary, the available evidence is currently insufficient to determine the role of this variant in disease. Therefore, it has been classified as a Variant of Uncertain Significance. This variant has not been reported in the literature in individuals affected with FLNA-related conditions. This sequence change replaces aspartic acid, which is acidic and polar, with glycine, which is neutral and non-polar, at codon 2378 of the FLNA protein (p.Asp2378Gly). This variant is present in population databases (rs371563857, gnomAD 0.006%).

NM_001110556.2(FLNA):c.7157A>G (p.Asp2386Gly)

Gene: FLNA (filamin A; minus strand). Cytogenetic location: Xq28.
Variant type: single nucleotide variant.
Coding change: c.7157A>G on transcript NM_001110556.2 (MANE Select); coding-DNA position 7157, A replaced by G.
Protein change: p.Asp2386Gly; replaces aspartic acid 2386 with glycine.
Molecular consequence: missense variant.
Genome position (GRCh38, 1-based): chrX:154,350,207, T>C on the plus strand (A>G on the coding strand, the complement: FLNA is on the minus strand). VCF-style: chrX-154350207-T-C. GRCh37 (hg19) VCF-style: chrX-153578575-T-C.
Other names: c.7133A>G, p.Asp2378Gly (NM_001456.4); short protein forms D2386G, D2378G.
Identifiers: ClinVar variation 570374 (VCV000570374.10), dbSNP rs371563857, ClinGen allele CA10559942.